The following is an entry in ClinVar:

ClinVar aggregate classification (germline): Conflicting classifications of pathogenicity. Review status: criteria provided, conflicting classifications (1 of 4 stars). 3 submissions from 3 submitters: Uncertain significance (2); Likely benign (1). Last evaluated 2023-03-23.

Conditions:
Hereditary cancer-predisposing syndrome. Also called: Tumor predisposition; Hereditary neoplastic syndrome; Neoplastic Syndromes, Hereditary; Hereditary Cancer Syndrome. Identifiers: Orphanet 140162, MedGen C0027672, MeSH D009386, MONDO:0015356.
Hereditary breast ovarian cancer syndrome. Also called: Breast and ovarian cancer; BRCA1- and BRCA2-Associated Hereditary Breast and Ovarian Cancer; Hereditary breast and ovarian cancer; Hereditary breast and ovarian cancer syndrome (HBOC); Hereditary breast and/or ovarian cancer syndrome; Hereditary breast and ovarian cancer syndrome. Identifiers: Orphanet 145, MedGen C0677776, MeSH D061325, MONDO:0003582. Disease mechanism: loss of function.

Allele frequency attached by ClinVar (database versions not stated): gnomAD exomes below 0.00001.
gnomAD v4.1: 1 of 1,614,110 alleles (0.000062%); highest among the groups gnomAD compares: Non-Finnish European, 0.000085%; no homozygotes.

Submissions (3):

University of Washington Department of Laboratory Medicine, University of Washington
Classification: Likely benign for Hereditary cancer-predisposing syndrome. Last evaluated: 2023-03-23. Review status: criteria provided, single submitter. Criteria: Dines et al. (Genet Med. 2020). Collection method: curation. Allele origin: germline.
Comment: Missense variant in a coldspot region where missense variants are very unlikely to be pathogenic (PMID:31911673).

BRCA1 coldspot (exon 11 using historical exon numbering). Reclassification based on statistical prior probability

Ambry Genetics
Classification: Uncertain significance for Hereditary cancer-predisposing syndrome. Last evaluated: 2022-07-18. Review status: criteria provided, single submitter. Criteria: Ambry Variant Classification Scheme 2023. Collection method: clinical testing. Allele origin: germline.
Comment: The p.I493L variant (also known as c.1477A>C), located in coding exon 9 of the BRCA1 gene, results from an A to C substitution at nucleotide position 1477. The isoleucine at codon 493 is replaced by leucine, an amino acid with highly similar properties. This amino acid position is poorly conserved in available vertebrate species. In addition, the in silico prediction for this alteration is inconclusive. Since supporting evidence is limited at this time, the clinical significance of this alteration remains unclear.

Labcorp Genetics (formerly Invitae), Labcorp
Classification: Uncertain significance for Hereditary breast ovarian cancer syndrome. Last evaluated: 2020-01-15. Review status: criteria provided, single submitter. Criteria: Invitae Variant Classification Sherloc (09022015). Collection method: clinical testing. Allele origin: germline.
Comment: This sequence change replaces isoleucine with leucine at codon 493 of the BRCA1 protein (p.Ile493Leu). The isoleucine residue is weakly conserved and there is a small physicochemical difference between isoleucine and leucine. This variant is not present in population databases (ExAC no frequency). This variant has not been reported in the literature in individuals with BRCA1-related conditions. Algorithms developed to predict the effect of missense changes on protein structure and function (SIFT, PolyPhen-2, Align-GVGD) all suggest that this variant is likely to be tolerated, but these predictions have not been confirmed by published functional studies and their clinical significance is uncertain. In summary, the available evidence is currently insufficient to determine the role of this variant in disease. Therefore, it has been classified as a Variant of Uncertain Significance.

NM_007294.4(BRCA1):c.1477A>C (p.Ile493Leu)

Gene: BRCA1 (BRCA1 DNA repair associated; minus strand). Cytogenetic location: 17q21.31.
Variant type: single nucleotide variant.
Coding change: c.1477A>C on transcript NM_007294.4 (MANE Select); coding-DNA position 1477, A replaced by C.
Protein change: p.Ile493Leu; replaces isoleucine 493 with leucine.
Molecular consequence: missense variant. On other transcripts: intron variant (137).
Genome position (GRCh38, 1-based): chr17:43,094,054, T>G on the plus strand (A>C on the coding strand, the complement: BRCA1 is on the minus strand). VCF-style: chr17-43094054-T-G. GRCh37 (hg19) VCF-style: chr17-41246071-T-G.
Other names: c.1477A>C, p.Ile493Leu (NM_007300.4, NM_001407581.1, NM_001407582.1 and 30 more transcripts); c.646+690A>C (NM_001408458.1, NM_001408469.1, NM_001408453.1 and 11 more transcripts); c.283+690A>C (NM_001408512.1); c.406+690A>C (NM_001408510.1); c.643+690A>C (NM_001408470.1, NM_001408464.1, NM_001408468.1 and 3 more transcripts); c.652+690A>C (NM_001408451.1); c.784+690A>C (NM_001407985.1, NM_001408401.1, NM_001408396.1 and 13 more transcripts); c.548-3022A>C (NM_001408494.1); and 40 more; short protein forms I446L, I493L, I382L, I404L, I423L, I452L, I467L, I325L.
Identifiers: ClinVar variation 856541 (VCV000856541.15), dbSNP rs2053933371, ClinGen allele CA10599095.